The following is an entry in ClinVar:

ClinVar aggregate classification (germline): Uncertain significance. Review status: criteria provided, multiple submitters, no conflicts (2 of 4 stars). 2 submissions from 2 submitters: Uncertain significance (2). Last evaluated 2025-07-14.

Conditions:
Inborn genetic diseases. Identifiers: MedGen C0950123, MeSH D030342.

Allele frequency attached by ClinVar (database versions not stated): TOPMed below 0.00001; ExAC 0.00002; gnomAD exomes 0.00001.
gnomAD v4.1: 14 of 1,613,912 alleles (0.00087%); highest among the groups gnomAD compares: Non-Finnish European, 0.0012%; no homozygotes.

Submissions (2):

Labcorp Genetics (formerly Invitae), Labcorp
Classification: Uncertain significance. Last evaluated: 2025-07-14. Review status: criteria provided, single submitter. Criteria: Invitae Variant Classification Sherloc (09022015). Collection method: clinical testing. Allele origin: germline.
Comment: This sequence change replaces threonine, which is neutral and polar, with alanine, which is neutral and non-polar, at codon 4453 of the HERC1 protein (p.Thr4453Ala). This variant is present in population databases (rs763224069, gnomAD 0.003%). This variant has not been reported in the literature in individuals affected with HERC1-related conditions. ClinVar contains an entry for this variant (Variation ID: 2008936). Invitae Evidence Modeling of protein sequence and biophysical properties (such as structural, functional, and spatial information, amino acid conservation, physicochemical variation, residue mobility, and thermodynamic stability) indicates that this missense variant is expected to disrupt HERC1 protein function with a positive predictive value of 80%. In summary, the available evidence is currently insufficient to determine the role of this variant in disease. Therefore, it has been classified as a Variant of Uncertain Significance.

Ambry Genetics
Classification: Uncertain significance for Inborn genetic diseases. Last evaluated: 2022-08-08. Review status: criteria provided, single submitter. Criteria: Ambry Variant Classification Scheme 2023. Collection method: clinical testing. Allele origin: germline.

NM_003922.4(HERC1):c.13357A>G (p.Thr4453Ala)

Gene: HERC1 (HECT and RLD domain containing E3 ubiquitin protein ligase family member 1; minus strand). Cytogenetic location: 15q22.31.
Variant type: single nucleotide variant.
Coding change: c.13357A>G on transcript NM_003922.4 (MANE Select); coding-DNA position 13357, A replaced by G.
Protein change: p.Thr4453Ala; replaces threonine 4453 with alanine.
Molecular consequence: missense variant.
Genome position (GRCh38, 1-based): chr15:63,624,246, T>C on the plus strand (A>G on the coding strand, the complement: HERC1 is on the minus strand). VCF-style: chr15-63624246-T-C. GRCh37 (hg19) VCF-style: chr15-63916445-T-C.
Other names: short protein forms T4453A.
Identifiers: ClinVar variation 2008936 (VCV002008936.5), dbSNP rs763224069, ClinGen allele CA7603752.